The following is an entry in ClinVar:

NM_020461.4(TUBGCP6):c.5446T>C (p.Tyr1816His)

Gene: TUBGCP6 (tubulin gamma complex component 6; minus strand). Cytogenetic location: 22q13.33.
Variant type: single nucleotide variant.
Coding change: c.5446T>C on transcript NM_020461.4 (MANE Select); coding-DNA position 5446, T replaced by C.
Protein change: p.Tyr1816His; replaces tyrosine 1816 with histidine.
Molecular consequence: missense variant.
Genome position (GRCh38, 1-based): chr22:50,217,750, A>G on the plus strand (T>C on the coding strand, the complement: TUBGCP6 is on the minus strand). VCF-style: chr22-50217750-A-G. GRCh37 (hg19) VCF-style: chr22-50656179-A-G.
Other names: short protein forms Y1816H.
Identifiers: ClinVar variation 1312827 (VCV001312827.6), dbSNP rs776207916, ClinGen allele CA10307002.

ClinVar aggregate classification (germline): Uncertain significance. Review status: criteria provided, multiple submitters, no conflicts (2 of 4 stars). 3 submissions from 3 submitters: Uncertain significance (3). Last evaluated 2025-10-14.

Conditions:
Inborn genetic diseases. Identifiers: MedGen C0950123, MeSH D030342.

Allele frequency attached by ClinVar (database versions not stated): gnomAD 0.00001; ExAC 0.00002; TOPMed below 0.00001; gnomAD exomes 0.00001.
gnomAD v4.1: 8 of 1,613,736 alleles (0.0005%); highest among the groups gnomAD compares: Admixed American, 0.0033%; no homozygotes.

Submissions (3):

Ambry Genetics
Classification: Uncertain significance for Inborn genetic diseases. Last evaluated: 2025-10-14. Review status: criteria provided, single submitter. Criteria: Ambry Variant Classification Scheme 2023. Collection method: clinical testing. Allele origin: germline.

Labcorp Genetics (formerly Invitae), Labcorp
Classification: Uncertain significance. Last evaluated: 2021-08-23. Review status: criteria provided, single submitter. Criteria: Invitae Variant Classification Sherloc (09022015). Collection method: clinical testing. Allele origin: germline.
Comment: This sequence change replaces tyrosine with histidine at codon 1816 of the TUBGCP6 protein (p.Tyr1816His). The tyrosine residue is moderately conserved and there is a moderate physicochemical difference between tyrosine and histidine. This variant is present in population databases (rs776207916, ExAC 0.02%). This variant has not been reported in the literature in individuals affected with TUBGCP6-related conditions. Algorithms developed to predict the effect of missense changes on protein structure and function are either unavailable or do not agree on the potential impact of this missense change (SIFT: "Tolerated"; PolyPhen-2: "Probably Damaging"; Align-GVGD: "Class C0"). In summary, the available evidence is currently insufficient to determine the role of this variant in disease. Therefore, it has been classified as a Variant of Uncertain Significance.

GeneDx
Classification: Uncertain significance. Last evaluated: 2020-06-30. Review status: criteria provided, single submitter. Criteria: GeneDx Variant Classification Process June 2021. Collection method: clinical testing. Allele origin: germline. Affected: yes.
Comment: Not observed at a significant frequency in large population cohorts (Lek et al., 2016); In silico analysis supports that this missense variant has a deleterious effect on protein structure/function; Has not been previously published as pathogenic or benign to our knowledge